The following is an entry in ClinVar:

ClinVar aggregate classification (germline): Uncertain significance. Review status: criteria provided, multiple submitters, no conflicts (2 of 4 stars). 2 submissions from 2 submitters: Uncertain significance (2). Last evaluated 2021-12-20.

Conditions:
Hereditary cancer-predisposing syndrome. Also called: Hereditary Cancer Syndrome; Hereditary neoplastic syndrome; Tumor predisposition; Neoplastic Syndromes, Hereditary. Identifiers: Orphanet 140162, MedGen C0027672, MeSH D009386, MONDO:0015356.
Familial cancer of breast. Also called: BREAST CANCER, FAMILIAL; hereditary breast carcinoma; Hereditary breast cancer. Identifiers: Orphanet 227535, MedGen C0346153, MONDO:0016419, OMIM 114480. Disease mechanism: loss of function.
Fanconi anemia complementation group J. Also called: BRIP1-Related Fanconi Anemia. Identifiers: Orphanet 84, MedGen C1836860, MONDO:0012187, OMIM 609054.

Submissions (2):

Ambry Genetics
Classification: Uncertain significance for Hereditary cancer-predisposing syndrome. Last evaluated: 2021-12-20. Review status: criteria provided, single submitter. Criteria: Ambry Variant Classification Scheme 2023. Collection method: clinical testing. Allele origin: germline.
Comment: The p.L892V variant (also known as c.2674C>G), located in coding exon 18 of the BRIP1 gene, results from a C to G substitution at nucleotide position 2674. The leucine at codon 892 is replaced by valine, an amino acid with highly similar properties. This amino acid position is conserved. In addition, this alteration is predicted to be tolerated by in silico analysis. Since supporting evidence is limited at this time, the clinical significance of this alteration remains unclear.

Labcorp Genetics (formerly Invitae), Labcorp
Classification: Uncertain significance for Familial cancer of breast; Fanconi anemia complementation group J. Last evaluated: 2021-06-03. Review status: criteria provided, single submitter. Criteria: Invitae Variant Classification Sherloc (09022015). Collection method: clinical testing. Allele origin: germline.
Comment: This sequence change replaces leucine with valine at codon 892 of the BRIP1 protein (p.Leu892Val). The leucine residue is weakly conserved and there is a small physicochemical difference between leucine and valine. This variant is not present in population databases (ExAC no frequency). This variant has not been reported in the literature in individuals with BRIP1-related conditions. Algorithms developed to predict the effect of missense changes on protein structure and function (SIFT, PolyPhen-2, Align-GVGD) all suggest that this variant is likely to be tolerated, but these predictions have not been confirmed by published functional studies and their clinical significance is uncertain. In summary, the available evidence is currently insufficient to determine the role of this variant in disease. Therefore, it has been classified as a Variant of Uncertain Significance.

NM_032043.3(BRIP1):c.2674C>G (p.Leu892Val)

Gene: BRIP1 (BRCA1 interacting DNA helicase 1; minus strand). Cytogenetic location: 17q23.2.
Variant type: single nucleotide variant.
Coding change: c.2674C>G on transcript NM_032043.3 (MANE Select); coding-DNA position 2674, C replaced by G.
Protein change: p.Leu892Val; replaces leucine 892 with valine.
Molecular consequence: missense variant.
Genome position (GRCh38, 1-based): chr17:61,686,067, G>C on the plus strand (C>G on the coding strand, the complement: BRIP1 is on the minus strand). VCF-style: chr17-61686067-G-C. GRCh37 (hg19) VCF-style: chr17-59763428-G-C.
Other names: short protein forms L892V.
Identifiers: ClinVar variation 1358683 (VCV001358683.11), dbSNP rs2144115542, ClinGen allele CA400481806.